The following is an entry in ClinVar:

ClinVar aggregate classification (germline): Conflicting classifications of pathogenicity. Review status: criteria provided, conflicting classifications (1 of 4 stars). 4 submissions from 4 submitters: Uncertain significance (1); Likely benign (2). 1 of the submissions does not count toward it. Last evaluated 2025-06-24.

Conditions:
KIF1B-related disorder. Also called: KIF1B-related condition.
Charcot-Marie-Tooth disease type 2. Also called: Charcot-Marie-Tooth type 2. Identifiers: Orphanet 64746, MedGen C0270914, MONDO:0018993.
Neuroblastoma (NB). Identifiers: Orphanet 635, MedGen C0027819, MeSH D009447, MONDO:0005072, HP:0003006.

Allele frequency attached by ClinVar (database versions not stated): ExAC 0.00001; gnomAD exomes 0.00002 and 0.00001; TOPMed 0.00002; gnomAD 0.00002 and 0.00001.
gnomAD v4.1: 36 of 1,613,984 alleles (0.0022%); highest among the groups gnomAD compares: African/African-American, 0.004%; no homozygotes.

Submissions (4):

Labcorp Genetics (formerly Invitae), Labcorp
Classification: Likely benign for Charcot-Marie-Tooth disease type 2. Last evaluated: 2025-06-24. Review status: criteria provided, single submitter. Criteria: Invitae Variant Classification Sherloc (09022015). Collection method: clinical testing. Allele origin: germline.

Ambry Genetics
Classification: Likely benign. Last evaluated: 2021-02-04. Review status: criteria provided, single submitter. Criteria: Ambry Variant Classification Scheme 2023. Collection method: clinical testing. Allele origin: germline.

Illumina Laboratory Services, Illumina
Classification: Uncertain significance for Neuroblastoma. Last evaluated: 2018-01-12. Review status: criteria provided, single submitter. Criteria: ICSL Variant Classification Criteria 13 December 2019. Collection method: clinical testing. Allele origin: germline.

PreventionGenetics, part of Exact Sciences
Classification: Likely benign for KIF1B-related condition. Last evaluated: 2023-09-05. Review status: no assertion criteria provided. Collection method: clinical testing. Allele origin: germline. Not counted in ClinVar's aggregate classification.
Comment: This variant is classified as likely benign based on ACMG/AMP sequence variant interpretation guidelines (Richards et al. 2015 PMID: 25741868, with internal and published modifications).

NM_001365951.3(KIF1B):c.4683C>T (p.Ser1561=)

Gene: KIF1B (kinesin family member 1B; plus strand). Cytogenetic location: 1p36.22.
Variant type: single nucleotide variant.
Coding change: c.4683C>T on transcript NM_001365951.3 (MANE Select); coding-DNA position 4683, C replaced by T.
Protein change: p.Ser1561=; no amino-acid change (serine 1561 retained).
Molecular consequence: synonymous variant.
Genome position (GRCh38, 1-based): chr1:10,365,579, C>T. VCF-style: chr1-10365579-C-T. GRCh37 (hg19) VCF-style: chr1-10425637-C-T.
Other names: c.4683C>T, p.Ser1561= (NM_001365952.1); c.4545C>T, p.Ser1515= (NM_015074.3).
Identifiers: ClinVar variation 291581 (VCV000291581.12), dbSNP rs751084365, ClinGen allele CA582148.